The following is an entry in ClinVar:

ClinVar aggregate classification (germline): Uncertain significance. Review status: criteria provided, multiple submitters, no conflicts (2 of 4 stars). 2 submissions from 2 submitters: Uncertain significance (2). Last evaluated 2025-08-29.

Conditions:
Hereditary pancreatitis (PCTT). Also called: Hereditary chronic pancreatitis; PRSS1-Related Hereditary Pancreatitis. Identifiers: Orphanet 676, MedGen C0238339, MONDO:0008185, OMIM 167800.

Allele frequency attached by ClinVar (database versions not stated): gnomAD 0.00001; TOPMed 0.00001; gnomAD exomes 0.00004; ExAC 0.00007.

Submissions (2):

Ambry Genetics
Classification: Uncertain significance for Hereditary pancreatitis. Last evaluated: 2025-08-29. Review status: criteria provided, single submitter. Criteria: Ambry Variant Classification Scheme 2023. Collection method: clinical testing. Allele origin: germline.
Comment: The p.T164M variant (also known as c.491C>T), located in coding exon 5 of the CPA1 gene, results from a C to T substitution at nucleotide position 491. The threonine at codon 164 is replaced by methionine, an amino acid with similar properties. This amino acid position is highly conserved in available vertebrate species. In addition, this alteration is predicted to be tolerated by in silico analysis. Based on the available evidence, the clinical significance of this variant remains unclear.

Labcorp Genetics (formerly Invitae), Labcorp
Classification: Uncertain significance. Last evaluated: 2024-04-17. Review status: criteria provided, single submitter. Criteria: Invitae Variant Classification Sherloc (09022015). Collection method: clinical testing. Allele origin: germline.
Comment: This sequence change replaces threonine, which is neutral and polar, with methionine, which is neutral and non-polar, at codon 164 of the CPA1 protein (p.Thr164Met). This variant is present in population databases (rs781903028, gnomAD 0.03%). This missense change has been observed in individual(s) with familial pancreatic cancer (PMID: 29669919). ClinVar contains an entry for this variant (Variation ID: 1044952). Advanced modeling of protein sequence and biophysical properties (such as structural, functional, and spatial information, amino acid conservation, physicochemical variation, residue mobility, and thermodynamic stability) performed at Invitae indicates that this missense variant is expected to disrupt CPA1 protein function with a positive predictive value of 80%. Experimental studies have shown that this missense change affects CPA1 function (PMID: 29669919). In summary, the available evidence is currently insufficient to determine the role of this variant in disease. Therefore, it has been classified as a Variant of Uncertain Significance.

Literature cited by the submitters: PubMed 29669919 (cited by Labcorp Genetics (formerly Invitae), Labcorp).

NM_001868.4(CPA1):c.491C>T (p.Thr164Met)

Gene: CPA1 (carboxypeptidase A1; plus strand). Cytogenetic location: 7q32.2.
Variant type: single nucleotide variant.
Coding change: c.491C>T on transcript NM_001868.4 (MANE Select); coding-DNA position 491, C replaced by T.
Protein change: p.Thr164Met; replaces threonine 164 with methionine.
Molecular consequence: missense variant.
Genome position (GRCh38, 1-based): chr7:130,383,398, C>T. VCF-style: chr7-130383398-C-T. GRCh37 (hg19) VCF-style: chr7-130023239-C-T.
Other names: c.491C>T (NM_001868.2); short protein forms T164M.
Identifiers: ClinVar variation 1044952 (VCV001044952.9), dbSNP rs781903028, ClinGen allele CA4484822.
Genomic context (GRCh38, chr7:130,383,398, plus strand): 5'-ATGAGGCCTCAGCTGTGAAATTGCCTCTGATCACTCCCCTGCCTCCTCTCCAGTTCAGCA[C>T]GGGGGGCAGTAAGCGTCCAGCCATCTGGATCGACACGGGCATCCATTCCCGGGAGTGGGT-3'
Protein context (NP_001859.1, residues 154-174): GRPIYVLKFS[Thr164Met]GGSKRPAIWI